The following is an entry in ClinVar:

ClinVar aggregate classification (germline): Uncertain significance. Review status: criteria provided, multiple submitters, no conflicts (2 of 4 stars). 2 submissions from 2 submitters: Uncertain significance (2). Last evaluated 2023-08-11.

Conditions:
Hereditary cancer-predisposing syndrome. Also called: Neoplastic Syndromes, Hereditary; Tumor predisposition; Hereditary Cancer Syndrome; Hereditary neoplastic syndrome. Identifiers: Orphanet 140162, MedGen C0027672, MeSH D009386, MONDO:0015356.
Rhabdoid tumor predisposition syndrome 2 (RTPS2). Identifiers: Orphanet 231108, Orphanet 69077, MedGen C2750074, MONDO:0013224, OMIM 613325.

Submissions (2):

Labcorp Genetics (formerly Invitae), Labcorp
Classification: Uncertain significance for Rhabdoid tumor predisposition syndrome 2. Last evaluated: 2023-08-11. Review status: criteria provided, single submitter. Criteria: Invitae Variant Classification Sherloc (09022015). Collection method: clinical testing. Allele origin: germline.
Comment: Advanced modeling of protein sequence and biophysical properties (such as structural, functional, and spatial information, amino acid conservation, physicochemical variation, residue mobility, and thermodynamic stability) has been performed at Invitae for this missense variant, however the output from this modeling did not meet the statistical confidence thresholds required to predict the impact of this variant on SMARCA4 protein function. In summary, the available evidence is currently insufficient to determine the role of this variant in disease. Therefore, it has been classified as a Variant of Uncertain Significance. ClinVar contains an entry for this variant (Variation ID: 1763313). This variant has not been reported in the literature in individuals affected with SMARCA4-related conditions. This variant is not present in population databases (gnomAD no frequency). This sequence change replaces proline, which is neutral and non-polar, with serine, which is neutral and polar, at codon 281 of the SMARCA4 protein (p.Pro281Ser).

Ambry Genetics
Classification: Uncertain significance for Hereditary cancer-predisposing syndrome. Last evaluated: 2022-09-14. Review status: criteria provided, single submitter. Criteria: Ambry Variant Classification Scheme 2023. Collection method: clinical testing. Allele origin: germline.
Comment: The p.P281S variant (also known as c.841C>T), located in coding exon 4 of the SMARCA4 gene, results from a C to T substitution at nucleotide position 841. The proline at codon 281 is replaced by serine, an amino acid with similar properties. This amino acid position is highly conserved in available vertebrate species. In addition, the in silico prediction for this alteration is inconclusive. Missense and in-frame variants in SMARCA4 are known to cause neurodevelopmental disorders; however, such associations with rhabdoid tumor predisposition syndrome including small cell carcinoma of the ovary-hypercalcemic type (SCCOHT) are exceedingly rare (Kosho T et al. Am J Med Genet C Semin Med Genet. 2014 Sep;166C(3):262-75; Jelinic P et al. Nat Genet. 2014 May;46(5):424-6). Based on the supporting evidence, the association of this alteration with Coffin-Siris syndrome is unknown; however, the association of this alteration with rhabdoid tumor predisposition syndrome is unlikely.

NM_003072.5(SMARCA4):c.841C>T (p.Pro281Ser)

Gene: SMARCA4 (SWI/SNF related BAF chromatin remodeling complex subunit ATPase 4; plus strand). Cytogenetic location: 19p13.2.
Variant type: single nucleotide variant.
Coding change: c.841C>T on transcript NM_003072.5 (MANE Select); coding-DNA position 841, C replaced by T.
Protein change: p.Pro281Ser; replaces proline 281 with serine.
Molecular consequence: missense variant. On other transcripts: non-coding transcript variant (1).
Genome position (GRCh38, 1-based): chr19:10,986,985, C>T. VCF-style: chr19-10986985-C-T. GRCh37 (hg19) VCF-style: chr19-11097661-C-T.
Other names: c.841C>T, p.Pro281Ser (NM_001128844.3, NM_001128845.2, NM_001128846.2 and 6 more transcripts); short protein forms P281S.
Identifiers: ClinVar variation 1763313 (VCV001763313.5), dbSNP rs2086110251, ClinGen allele CA404058120.
Genomic context (GRCh38, chr19:10,986,985, plus strand): 5'-CCTCCCCCAGGACCCTCGGGCGTGCCCCCCGGGATGCCAGGCCAGCCTCCTGGAGGGCCT[C>T]CCAAGCCCTGGCCTGAAGGTGAGCTCCCTCTTCTATGGTGGTGCACCCGTGCCCTTACTC-3'
Protein context (NP_003063.2, residues 271-291): GMPGQPPGGP[Pro281Ser]KPWPEGPMAN